The following is an entry in ClinVar:

ClinVar aggregate classification (germline): Benign/Likely benign. Review status: criteria provided, multiple submitters, no conflicts (2 of 4 stars). 7 submissions from 7 submitters: Benign (4); Likely benign (3). Last evaluated 2026-02-01.

Conditions:
Hearing loss, X-linked 6. Also called: Deafness, X-linked 6. Identifiers: Orphanet 90625, MedGen C3806737, MONDO:0010484, OMIM 300914.

Allele frequency attached by ClinVar (database versions not stated): 1000 Genomes Project 30x 0.00250; 1000 Genomes Project 0.00291; TOPMed 0.00512; ESP Exome Variant Server 0.00786; gnomAD 0.00802 and 0.00827; ExAC 0.00958; gnomAD exomes 0.00972 and 0.00978.
gnomAD v4.1: 11,416 of 1,207,467 alleles (0.95%); highest among the groups gnomAD compares: Non-Finnish European, 0.98%; 78 homozygotes.

Submissions (7):

Labcorp Genetics (formerly Invitae), Labcorp
Classification: Benign. Last evaluated: 2026-02-01. Review status: criteria provided, single submitter. Criteria: Invitae Variant Classification Sherloc (09022015). Collection method: clinical testing. Allele origin: germline.

Blueprint Genetics
Classification: Likely benign. Last evaluated: 2024-11-27. Review status: criteria provided, single submitter. Criteria: ACMG Guidelines, 2015. Collection method: clinical testing. Allele origin: germline.

Genome-Nilou Lab
Classification: Benign for Hearing loss, X-linked 6. Last evaluated: 2022-03-15. Review status: criteria provided, single submitter. Criteria: ACMG Guidelines, 2015. Collection method: clinical testing. Allele origin: germline. Affected: no.

Mayo Clinic Laboratories, Mayo Clinic
Classification: Benign. Last evaluated: 2021-11-23. Review status: criteria provided, single submitter. Criteria: ACMG Guidelines, 2015. Collection method: clinical testing. Allele origin: germline. Observed: 4 variant alleles.
Comment: BA1, BS1, BS2

GeneDx
Classification: Benign. Last evaluated: 2018-05-01. Review status: criteria provided, single submitter. Criteria: GeneDx Variant Classification (06012015). Collection method: clinical testing. Allele origin: germline. Affected: yes.
Comment: This variant is considered likely benign or benign based on one or more of the following criteria: it is a conservative change, it occurs at a poorly conserved position in the protein, it is predicted to be benign by multiple in silico algorithms, and/or has population frequency not consistent with disease.

Breakthrough Genomics
Classification: Likely benign. Review status: criteria provided, single submitter. Criteria: ACMG Guidelines, 2015. Collection method: not provided. Allele origin: germline. Inheritance: X-linked inheritance. Affected: yes.

PreventionGenetics, part of Exact Sciences
Classification: Likely benign. Review status: criteria provided, single submitter. Criteria: ACMG Guidelines, 2015. Collection method: clinical testing. Allele origin: germline.

NM_033641.4(COL4A6):c.3760G>T (p.Ala1254Ser)

Gene: COL4A6 (collagen type IV alpha 6 chain; minus strand). Cytogenetic location: Xq22.3.
Variant type: single nucleotide variant.
Coding change: c.3760G>T on transcript NM_033641.4 (MANE Select); coding-DNA position 3760, G replaced by T.
Protein change: p.Ala1254Ser; replaces alanine 1254 with serine.
Molecular consequence: missense variant.
Genome position (GRCh38, 1-based): chrX:108,165,418, C>A on the plus strand (G>T on the coding strand, the complement: COL4A6 is on the minus strand). VCF-style: chrX-108165418-C-A. GRCh37 (hg19) VCF-style: chrX-107408648-C-A.
Other names: p.Ala1255Ser; c.3811G>T, p.Ala1271Ser (NM_001287758.2); c.3688G>T, p.Ala1230Ser (NM_001287759.2, NM_001287760.2); c.3763G>T, p.Ala1255Ser (NM_001847.4); short protein forms A1255S, A1254S, A1230S, A1271S.
Identifiers: ClinVar variation 258276 (VCV000258276.16), dbSNP rs145388022, ClinGen allele CA10487345.